The following is an entry in ClinVar:

NM_000321.3(RB1):c.835A>G (p.Lys279Glu)

Gene: RB1 (RB transcriptional corepressor 1; plus strand). Cytogenetic location: 13q14.2.
Variant type: single nucleotide variant.
Coding change: c.835A>G on transcript NM_000321.3 (MANE Select); coding-DNA position 835, A replaced by G.
Protein change: p.Lys279Glu; replaces lysine 279 with glutamic acid.
Molecular consequence: missense variant.
Genome position (GRCh38, 1-based): chr13:48,362,931, A>G. VCF-style: chr13-48362931-A-G. GRCh37 (hg19) VCF-style: chr13-48937067-A-G.
Other names: c.835A>G, p.Lys279Glu (NM_001407165.1, NM_001407166.1); short protein forms K279E.
Identifiers: ClinVar variation 3313036 (VCV003313036.1).

ClinVar aggregate classification (germline): Uncertain significance (1 of 4 stars; one submission).

Conditions:
Hereditary cancer-predisposing syndrome. Also called: Neoplastic Syndromes, Hereditary; Tumor predisposition; Hereditary neoplastic syndrome; Hereditary Cancer Syndrome. Identifiers: Orphanet 140162, MedGen C0027672, MeSH D009386, MONDO:0015356.

gnomAD v4.1: 2 of 1,613,648 alleles (0.00012%); highest among the groups gnomAD compares: Non-Finnish European, 0.00017%; no homozygotes.

Submission:

Ambry Genetics
Classification: Uncertain significance for Hereditary cancer-predisposing syndrome. Last evaluated: 2024-03-23. Review status: criteria provided, single submitter. Criteria: Ambry Variant Classification Scheme 2023. Collection method: clinical testing. Allele origin: germline.
Comment: The p.K279E variant (also known as c.835A>G), located in coding exon 8 of the RB1 gene, results from an A to G substitution at nucleotide position 835. The lysine at codon 279 is replaced by glutamic acid, an amino acid with similar properties. This amino acid position is conserved. In addition, the in silico prediction for this alteration is inconclusive. Based on the available evidence, the clinical significance of this alteration remains unclear.